The following is an entry in ClinVar:

ClinVar aggregate classification (germline): Uncertain significance (1 of 4 stars; one submission).

Submission:

GeneDx
Classification: Uncertain significance. Last evaluated: 2026-02-26. Review status: criteria provided, single submitter. Criteria: GeneDx Variant Classification Process June 2021. Collection method: clinical testing. Allele origin: germline.
Comment: Not observed at significant frequency in large population cohorts (gnomAD); In silico analysis supports that this missense variant has a deleterious effect on protein structure/function; Has not been previously published as pathogenic or benign to our knowledge

NM_006885.4(ZFHX3):c.8515A>C (p.Asn2839His)

Genes: ZFHX3 (zinc finger homeobox 3; minus strand), ZFHX3-AS1 (ZFHX3 antisense RNA 1; plus strand). Cytogenetic location: 16q22.2.
Variant type: single nucleotide variant.
Coding change: c.8515A>C on transcript NM_006885.4 (MANE Select); coding-DNA position 8515, A replaced by C.
Protein change: p.Asn2839His; replaces asparagine 2839 with histidine.
Molecular consequence: missense variant.
Genome position (GRCh38, 1-based): chr16:72,794,167, T>G on the plus strand (A>C on the coding strand, the complement: ZFHX3 is on the minus strand). VCF-style: chr16-72794167-T-G. GRCh37 (hg19) VCF-style: chr16-72828066-T-G.
Other names: c.5773A>C, p.Asn1925His (NM_001164766.2); c.8515A>C, p.Asn2839His (NM_001386735.1); short protein forms N2839H, N1925H.
Identifiers: ClinVar variation 5008114 (VCV005008114.1).
Genomic context (GRCh38, chr16:72,794,167, plus strand): 5'-TTGCACTGTCGTTATCTGCGTTGCCCTCGTCTCCAGTTGTGGTATCTGTGATTGCTGTGT[T>G]GACAGAGGAACAGTCATCGTTGTCCAGCTTAGTTTGGTCAAAGTTTAGATTAACTGAGGA-3'
Protein context (NP_008816.3, residues 2829-2849): KLDNDDCSSV[Asn2839His]TAITDTTTGD